The following is an entry in ClinVar:

ClinVar aggregate classification (germline): Pathogenic/Likely pathogenic. Review status: criteria provided, multiple submitters, no conflicts (2 of 4 stars). 4 submissions from 4 submitters: Pathogenic (3); Likely pathogenic (1). Last evaluated 2025-10-17.

Conditions:
Leber congenital amaurosis (LCA). Also called: Leber's amaurosis. Identifiers: Orphanet 65, MedGen C0339527, MeSH D057130, MONDO:0018998.
Leber congenital amaurosis 13 (LCA13). Identifiers: MedGen C2675186, MONDO:0012990, OMIM 612712.
RDH12-related disorder. Also called: RDH12-related condition; RDH12-related disorders.

Submissions (4):

Natera, Inc.
Classification: Likely pathogenic for Leber congenital amaurosis. Last evaluated: 2025-10-17. Review status: criteria provided, single submitter. Criteria: Natera Variant Classification Schema (03/2026). Collection method: clinical testing. Allele origin: germline.
Comment: The c.784delG variant in RDH12 is a frameshift variant predicted to shift the reading frame beginning at codon 262 and leads to a stop codon 16 codons downstream. This variant is expected to result in nonsense mediated decay, truncation, or a dysfunctional protein product. This variant is rare in the general population with a frequency below the threshold expected for the associated phenotype(s). Given the available evidence, this variant is classified as Likely Pathogenic.

Women's Health and Genetics/Laboratory Corporation of America, LabCorp
Classification: Pathogenic for Leber congenital amaurosis. Last evaluated: 2023-12-08. Review status: criteria provided, single submitter. Criteria: LabCorp Variant Classification Summary - May 2015. Collection method: clinical testing. Allele origin: germline.
Comment: Variant summary: RDH12 c.784delG (p.Ala262ArgfsX16) results in a premature termination codon, predicted to cause absence of the protein due to nonsense mediated decay, which is a commonly known mechanism for disease. The variant was absent in 240984 control chromosomes (gnomAD). c.784delG has been reported in the literature in individuals affected with Leber Congenital Amaurosis or Retinitis Pigmentosa (Iacono_2020, Yohe_2020), and at least one was compound heterozygous with a (likely) pathogenic variant. The following publications have been ascertained in the context of this evaluation (PMID: 31816670, 31801355). One submitter has cited a clinical-significance assessment for this variant to ClinVar after 2014 and has classified the variant as pathogenic. Based on the evidence outlined above, the variant was classified as pathogenic.

Blueprint Genetics
Classification: Pathogenic for RDH12-related disorders. Last evaluated: 2023-06-06. Review status: criteria provided, single submitter. Criteria: ACMG Guidelines, 2015. Collection method: clinical testing. Allele origin: germline. Affected: yes. Observed: 3 variant alleles.

Labcorp Genetics (formerly Invitae), Labcorp
Classification: Pathogenic for Leber congenital amaurosis 13. Last evaluated: 2022-11-01. Review status: criteria provided, single submitter. Criteria: Invitae Variant Classification Sherloc (09022015). Collection method: clinical testing. Allele origin: germline.
Comment: For these reasons, this variant has been classified as Pathogenic. This sequence change creates a premature translational stop signal (p.Ala262Argfs*16) in the RDH12 gene. While this is not anticipated to result in nonsense mediated decay, it is expected to disrupt the last 55 amino acid(s) of the RDH12 protein. This variant is not present in population databases (gnomAD no frequency). This premature translational stop signal has been observed in individual(s) with Leber congenital amaurosis (PMID: 17964524). ClinVar contains an entry for this variant (Variation ID: 1458632). This variant disrupts a region of the RDH12 protein in which other variant(s) (p.Trp304*) have been determined to be pathogenic (PMID: 20736127, 24625443; Invitae). This suggests that this is a clinically significant region of the protein, and that variants that disrupt it are likely to be disease-causing.

Literature cited by the submitters: PubMed 31816670 (cited by Women's Health and Genetics/Laboratory Corporation of America, LabCorp); PubMed 31801355 (cited by Women's Health and Genetics/Laboratory Corporation of America, LabCorp); PubMed 17964524 (cited by Labcorp Genetics (formerly Invitae), Labcorp); PubMed 20736127 (cited by Labcorp Genetics (formerly Invitae), Labcorp); PubMed 24625443 (cited by Labcorp Genetics (formerly Invitae), Labcorp).

NM_152443.3(RDH12):c.784del (p.Ala262fs)

Genes: GPHN (gephyrin; plus strand), RDH12 (retinol dehydrogenase 12; plus strand), ZFYVE26 (zinc finger FYVE-type containing 26; minus strand). Cytogenetic location: 14q24.1.
Variant type: Deletion.
Coding change: c.784del on transcript NM_152443.3 (MANE Select); coding-DNA position 784, one base deleted (G; older notation c.784delG).
Protein change: p.Ala262fs; shifts the reading frame from alanine 262.
Molecular consequence: frameshift variant.
Genome position (GRCh38, 1-based): chr14:67,729,316, G deleted; the last of 5 consecutive G bases (chr14:67,729,312-67,729,316); deleting any one gives the same sequence. VCF-style (leftmost placement, unchanged base first): chr14-67729311-AG-A. GRCh37 (hg19) VCF-style: chr14-68196028-AG-A.
Other names: c.784delG (NM_152443.3, NM_152443.2); short protein forms A262fs.
Identifiers: ClinVar variation 1458632 (VCV001458632.12), dbSNP rs1594867551, ClinGen allele CA2573150106.